The following is an entry in ClinVar:

ClinVar aggregate classification (germline): Likely benign (1 of 4 stars; one submission).

Allele frequency attached by ClinVar (database versions not stated): gnomAD 0.00001; gnomAD exomes 0.00002; TOPMed 0.00002; ExAC 0.00004; ESP Exome Variant Server 0.00016.
gnomAD v4.1: 29 of 1,583,256 alleles (0.0018%); highest among the groups gnomAD compares: Middle Eastern, 0.017%; no homozygotes.

Submission:

CeGaT Center for Human Genetics Tuebingen
Classification: Likely benign. Last evaluated: 2023-02-01. Review status: criteria provided, single submitter. Criteria: CeGaT Center For Human Genetics Tuebingen Variant Classification Criteria Version 2. Collection method: clinical testing. Allele origin: germline. Affected: yes. Observed: 1 variant allele.
Comment: INTS1: BP4, BP7

NM_001080453.3(INTS1):c.5325T>C (p.Ser1775=)

Gene: INTS1 (integrator complex subunit 1; minus strand). Cytogenetic location: 7p22.3.
Variant type: single nucleotide variant.
Coding change: c.5325T>C on transcript NM_001080453.3 (MANE Select); coding-DNA position 5325, T replaced by C.
Protein change: p.Ser1775=; no amino-acid change (serine 1775 retained).
Molecular consequence: synonymous variant.
Genome position (GRCh38, 1-based): chr7:1,476,282, A>G on the plus strand (T>C on the coding strand, the complement: INTS1 is on the minus strand). VCF-style: chr7-1476282-A-G. GRCh37 (hg19) VCF-style: chr7-1515918-A-G.
Other names: c.1842T>C, p.Ser614= (NM_015674.1).
Identifiers: ClinVar variation 2657182 (VCV002657182.24), dbSNP rs374301655, ClinGen allele CA4118461.